The following is an entry in ClinVar:

ClinVar aggregate classification (germline): Likely benign (1 of 4 stars; one submission).

Conditions:
Progressive myoclonic epilepsy type 3. Also called: EPILEPSY, PROGRESSIVE MYOCLONIC, 3, WITHOUT INTRACELLULAR INCLUSIONS; EPILEPSY, PROGRESSIVE MYOCLONIC, 3, WITH OR WITHOUT INTRACELLULAR INCLUSIONS; CEROID LIPOFUSCINOSIS, NEURONAL, 14; KCTD7-Related Progressive Myoclonic Epilepsy. Identifiers: Orphanet 263516, MedGen C2673257, MONDO:0012721, OMIM 611726.

Allele frequency attached by ClinVar (database versions not stated): gnomAD exomes 0.00003; gnomAD 0.00017 and 0.00018; TOPMed 0.00028; 1000 Genomes Project 30x 0.00047; 1000 Genomes Project 0.00060.
gnomAD v4.1: 57 of 985,434 alleles (0.0058%); highest among the groups gnomAD compares: East Asian, 0.56%; no homozygotes.

Submission:

Illumina Laboratory Services, Illumina
Classification: Likely benign for Progressive myoclonic epilepsy type 3. Last evaluated: 2018-01-12. Review status: criteria provided, single submitter. Criteria: ICSL Variant Classification Criteria 13 December 2019. Collection method: clinical testing. Allele origin: germline.
Comment: This variant was observed in the ICSL laboratory as part of a predisposition screen in an ostensibly healthy population. It had not been previously curated by ICSL or reported in the Human Gene Mutation Database (HGMD: prior to June 1st, 2018), and was therefore a candidate for classification through an automated scoring system. Utilizing variant allele frequency, disease prevalence and penetrance estimates, and inheritance mode, an automated score was calculated to assess if this variant is too frequent to cause the disease. Based on the score and internal cut-off values, a variant classified as likely benign is not then subjected to further curation. The score for this variant resulted in a classification of likely benign for this disease.

NM_153033.5(KCTD7):c.*2137T>C

Gene: KCTD7 (potassium channel tetramerization domain containing 7; plus strand). Cytogenetic location: 7q11.21.
Variant type: single nucleotide variant.
Coding change: c.*2137T>C on transcript NM_153033.5 (MANE Select); 2137 bases downstream of the stop codon, T replaced by C.
Molecular consequence: 3 prime UTR variant.
Genome position (GRCh38, 1-based): chr7:66,641,369, T>C. VCF-style: chr7-66641369-T-C. GRCh37 (hg19) VCF-style: chr7-66106356-T-C.
Other names: c.*975T>C (NM_001167961.2).
Identifiers: ClinVar variation 909910 (VCV000909910.4), dbSNP rs138958447, ClinGen allele CA160220497.